The following is an entry in ClinVar:

ClinVar aggregate classification (germline): Conflicting classifications of pathogenicity. Review status: criteria provided, conflicting classifications (1 of 4 stars). 3 submissions from 3 submitters: Uncertain significance (2); Likely benign (1). Last evaluated 2025-10-09.

Conditions:
Inborn genetic diseases. Identifiers: MedGen C0950123, MeSH D030342.
Polycystic liver disease 2 (PCLD2). Also called: Polycystic liver disease 2 with or without kidney cysts. Identifiers: Orphanet 2924, MedGen C4310769, MONDO:0014860, OMIM 617004.

Allele frequency attached by ClinVar (database versions not stated): gnomAD 0.00005; gnomAD exomes 0.00006; ExAC 0.00009; TOPMed 0.00009.
gnomAD v4.1: 88 of 1,602,088 alleles (0.0055%); highest among the groups gnomAD compares: Middle Eastern, 0.017%; no homozygotes.

Submissions (3):

Labcorp Genetics (formerly Invitae), Labcorp
Classification: Uncertain significance. Last evaluated: 2025-10-09. Review status: criteria provided, single submitter. Criteria: Invitae Variant Classification Sherloc (09022015). Collection method: clinical testing. Allele origin: germline.
Comment: This sequence change replaces arginine, which is basic and polar, with histidine, which is basic and polar, at codon 60 of the SEC63 protein (p.Arg60His). This variant is present in population databases (rs747897071, gnomAD 0.01%). This variant has not been reported in the literature in individuals affected with SEC63-related conditions. ClinVar contains an entry for this variant (Variation ID: 2157232). An algorithm developed to predict the effect of missense changes on protein structure and function (PolyPhen-2) suggests that this variant is likely to be tolerated. In summary, the available evidence is currently insufficient to determine the role of this variant in disease. Therefore, it has been classified as a Variant of Uncertain Significance.

Ambry Genetics
Classification: Likely benign for Inborn genetic diseases. Last evaluated: 2025-09-26. Review status: criteria provided, single submitter. Criteria: Ambry Variant Classification Scheme 2023. Collection method: clinical testing. Allele origin: germline.

Fulgent Genetics
Classification: Uncertain significance for Polycystic liver disease 2. Last evaluated: 2024-06-18. Review status: criteria provided, single submitter. Criteria: ACMG Guidelines, 2015. Collection method: clinical testing. Allele origin: germline.

NM_007214.5(SEC63):c.179G>A (p.Arg60His)

Gene: SEC63 (SEC63 protein translocation regulator; minus strand). Cytogenetic location: 6q21.
Variant type: single nucleotide variant.
Coding change: c.179G>A on transcript NM_007214.5 (MANE Select); coding-DNA position 179, G replaced by A.
Protein change: p.Arg60His; replaces arginine 60 with histidine.
Molecular consequence: missense variant.
Genome position (GRCh38, 1-based): chr6:107,929,460, C>T on the plus strand (G>A on the coding strand, the complement: SEC63 is on the minus strand). VCF-style: chr6-107929460-C-T. GRCh37 (hg19) VCF-style: chr6-108250664-C-T.
Other names: c.179G>A (NM_007214.4); short protein forms R60H.
Identifiers: ClinVar variation 2157232 (VCV002157232.6), dbSNP rs747897071, ClinGen allele CA3947827.
Genomic context (GRCh38, chr6:107,929,460, plus strand): 5'-AAATCCATTACTTACTTTACTGTAGGAATAATATTTGGCTGGGGTTTTAATAACCGTAAA[C>T]GATACCACATACACCTTCCATATACTTTTCTGATATTCTTTAATCGAATTTGCTCTGTCA-3'
Protein context (NP_009145.1, residues 50-70): RKVYGRCMWY[Arg60His]LRLLKPQPNI